The following is an entry in ClinVar:

ClinVar aggregate classification (germline): Pathogenic/Likely pathogenic. Review status: criteria provided, multiple submitters, no conflicts (2 of 4 stars). 2 submissions from 2 submitters: Pathogenic (1); Likely pathogenic (1). Last evaluated 2025-07-18.

Conditions:
Familial cancer of breast. Also called: BREAST CANCER, FAMILIAL; Hereditary breast cancer; hereditary breast carcinoma. Identifiers: Orphanet 227535, MedGen C0346153, MONDO:0016419, OMIM 114480. Disease mechanism: loss of function.
Hereditary cancer-predisposing syndrome. Also called: Neoplastic Syndromes, Hereditary; Tumor predisposition; Hereditary neoplastic syndrome; Hereditary Cancer Syndrome. Identifiers: Orphanet 140162, MedGen C0027672, MeSH D009386, MONDO:0015356.

Submissions (2):

Ambry Genetics
Classification: Likely pathogenic for Hereditary cancer-predisposing syndrome. Last evaluated: 2025-07-18. Review status: criteria provided, single submitter. Criteria: Ambry Variant Classification Scheme 2023. Collection method: clinical testing. Allele origin: germline.
Comment: The c.4909+1delG intronic variant, located in intron 31 of the ATM gene, results from a deletion of one nucleotide within intron 31 of the ATM gene. This variant is considered to be rare based on population cohorts in the Genome Aggregation Database (gnomAD). This nucleotide position is highly conserved in available vertebrate species. In silico splice site analysis predicts that this alteration will weaken the native splice donor site and will result in the creation or strengthening of a novel splice donor site. Alterations that disrupt the canonical splice site are expected to cause aberrant splicing, resulting in an abnormal protein or a transcript that is subject to nonsense-mediated mRNA decay. As such, this alteration is classified as likely pathogenic.

Myriad Genetics, Inc.
Classification: Pathogenic for Familial cancer of breast. Last evaluated: 2024-01-25. Review status: criteria provided, single submitter. Criteria: Myriad Autosomal Dominant, Autosomal Recessive and X-Linked Classification Criteria (2023). Collection method: clinical testing. Allele origin: unknown.
Comment: This variant is considered pathogenic. This variant occurs within a consensus splice junction and is predicted to result in abnormal mRNA splicing of either an out-of-frame exon or an in-frame exon necessary for protein stability and/or normal function. This variant has been reported in multiple individuals with clinical features of gene-specific disease [PMID: 29489040, 9887333].

Literature cited by the submitters: PubMed 29489040 (cited by Myriad Genetics, Inc.); PubMed 9887333 (cited by Myriad Genetics, Inc.).

NM_000051.4(ATM):c.4909+1del

Gene: ATM (ATM serine/threonine kinase; plus strand). Cytogenetic location: 11q22.3.
Variant type: Deletion.
Coding change: c.4909+1del on transcript NM_000051.4 (MANE Select); the canonical splice donor site of the intron after coding-DNA position 4909, one base deleted (G; older notation c.4909+1delG).
Molecular consequence: splice donor variant.
Genome position (GRCh38, 1-based): chr11:108,295,060, G deleted; the last of 3 consecutive G bases (chr11:108,295,058-108,295,060); deleting any one gives the same sequence. VCF-style (leftmost placement, unchanged base first): chr11-108295057-AG-A. GRCh37 (hg19) VCF-style: chr11-108165784-AG-A.
Other names: c.4909+1delG (NM_000051.3); c.4909+1del (NM_001351834.2).
Identifiers: ClinVar variation 3148311 (VCV003148311.2), dbSNP rs2546944408, ClinGen allele CA2825001892.
Genomic context (GRCh38, chr11:108,295,057, plus strand): 5'-ATCTTCGAAGACAACTGGAACTACATAAAGATCAGATGGTGGACATTATGAGAGCTTCTC[AG>A]GGTGCTAATTTTAAATGACATGGGCTATTTCTACCTGTTTCTTTTTGAAAGAATATTTTG-3'